The following is an entry in ClinVar:

ClinVar aggregate classification (germline): Conflicting classifications of pathogenicity. Review status: criteria provided, conflicting classifications (1 of 4 stars). 5 submissions from 5 submitters: Uncertain significance (1); Likely benign (2). 2 of the submissions do not count toward it. Last evaluated 2024-01-26.

Conditions:
LOXHD1-related disorder. Also called: LOXHD1-related condition.
Autosomal recessive nonsyndromic hearing loss 77. Identifiers: Orphanet 90636, MedGen C2746083, MONDO:0013119, OMIM 613079.

Allele frequency attached by ClinVar (database versions not stated): gnomAD exomes 0.00006 and 0.00015; ExAC 0.00055; gnomAD 0.00059 and 0.00063; TOPMed 0.00069; ESP Exome Variant Server 0.00088; 1000 Genomes Project 0.00120; 1000 Genomes Project 30x 0.00125.
gnomAD v4.1: 181 of 1,551,288 alleles (0.012%); highest among the groups gnomAD compares: African/African-American, 0.19%; 1 homozygote.

Submissions (5):

Labcorp Genetics (formerly Invitae), Labcorp
Classification: Uncertain significance. Last evaluated: 2024-01-26. Review status: criteria provided, single submitter. Criteria: Invitae Variant Classification Sherloc (09022015). Collection method: clinical testing. Allele origin: germline.
Comment: This sequence change replaces alanine, which is neutral and non-polar, with threonine, which is neutral and polar, at codon 1684 of the LOXHD1 protein (p.Ala1684Thr). This variant is present in population databases (rs376122149, gnomAD 0.2%). This missense change has been observed in individual(s) with deafness (PMID: 35440622). ClinVar contains an entry for this variant (Variation ID: 227528). An algorithm developed to predict the effect of missense changes on protein structure and function (PolyPhen-2) suggests that this variant is likely to be disruptive. In summary, the available evidence is currently insufficient to determine the role of this variant in disease. Therefore, it has been classified as a Variant of Uncertain Significance.

Blueprint Genetics
Classification: Likely benign. Last evaluated: 2023-04-18. Review status: criteria provided, single submitter. Criteria: ACMG Guidelines, 2015. Collection method: clinical testing. Allele origin: germline.

Laboratory for Molecular Medicine, Mass General Brigham Personalized Medicine
Classification: Likely benign. Last evaluated: 2015-05-07. Review status: criteria provided, single submitter. Criteria: LMM Criteria. Collection method: clinical testing. Allele origin: germline. Observed: 1 variant allele.
Comment: p.Ala1684Thr in exon 32 of LOXHD1: This variant is not expected to have clinical significance because it has been identified in 0.4% (11/2680) of African chromo somes by the Exome Aggregation Consortium (ExAC; dbSNP rs376122149).

PreventionGenetics, part of Exact Sciences
Classification: Likely benign for LOXHD1-related condition. Last evaluated: 2024-01-04. Review status: no assertion criteria provided. Collection method: clinical testing. Allele origin: germline. Not counted in ClinVar's aggregate classification.
Comment: This variant is classified as likely benign based on ACMG/AMP sequence variant interpretation guidelines (Richards et al. 2015 PMID: 25741868, with internal and published modifications).

Counsyl
Classification: Uncertain significance for Autosomal recessive nonsyndromic hearing loss 77. Last evaluated: 2018-02-27. Review status: no assertion criteria provided. Collection method: clinical testing. Allele origin: unknown. Not counted in ClinVar's aggregate classification.

Literature cited by the submitters: PubMed 35440622 (cited by Labcorp Genetics (formerly Invitae), Labcorp).

NM_001384474.1(LOXHD1):c.5050G>A (p.Ala1684Thr)

Gene: LOXHD1 (lipoxygenase homology PLAT domains 1; minus strand). Cytogenetic location: 18q21.1.
Variant type: single nucleotide variant.
Coding change: c.5050G>A on transcript NM_001384474.1 (MANE Select); coding-DNA position 5050, G replaced by A.
Protein change: p.Ala1684Thr; replaces alanine 1684 with threonine.
Molecular consequence: missense variant.
Genome position (GRCh38, 1-based): chr18:46,522,136, C>T on the plus strand (G>A on the coding strand, the complement: LOXHD1 is on the minus strand). VCF-style: chr18-46522136-C-T. GRCh37 (hg19) VCF-style: chr18-44102099-C-T.
Other names: c.1717G>A, p.Ala573Thr (NM_001145472.3); c.1429G>A, p.Ala477Thr (NM_001308013.2); c.5050G>A, p.Ala1684Thr (NM_144612.7); short protein forms A1684T, A573T, A477T.
Identifiers: ClinVar variation 227528 (VCV000227528.11), dbSNP rs376122149, ClinGen allele CA8952261.